The following is an entry in ClinVar:

NM_005751.5(AKAP9):c.3148G>A (p.Val1050Met)

Gene: AKAP9 (A-kinase anchoring protein 9; plus strand). Cytogenetic location: 7q21.2.
Variant type: single nucleotide variant.
Coding change: c.3148G>A on transcript NM_005751.5 (MANE Select); coding-DNA position 3148, G replaced by A.
Protein change: p.Val1050Met; replaces valine 1050 with methionine.
Molecular consequence: missense variant.
Genome position (GRCh38, 1-based): chr7:92,003,065, G>A. VCF-style: chr7-92003065-G-A. GRCh37 (hg19) VCF-style: chr7-91632379-G-A.
Other names: c.3148G>A, p.Val1050Met (NM_147185.3); short protein forms V1050M.
Identifiers: ClinVar variation 1728146 (VCV001728146.5), dbSNP rs1428052119, ClinGen allele CA368126246.

ClinVar aggregate classification (germline): Uncertain significance. Review status: criteria provided, multiple submitters, no conflicts (2 of 4 stars). 2 submissions from 2 submitters: Uncertain significance (2). Last evaluated 2025-11-26.

Conditions:
Cardiovascular phenotype. Identifiers: MedGen CN230736.
Long QT syndrome (LQTS). Identifiers: MedGen C0023976, MeSH D008133, MONDO:0002442. Disease mechanism: loss of function. Inheritance: Various modes of inheritance.

Allele frequency attached by ClinVar (database versions not stated): gnomAD exomes 0.00001; gnomAD 0.00003; TOPMed 0.00003.
gnomAD v4.1: 22 of 1,612,848 alleles (0.0014%); highest among the groups gnomAD compares: Non-Finnish European, 0.0019%; no homozygotes.

Submissions (2):

Labcorp Genetics (formerly Invitae), Labcorp
Classification: Uncertain significance for Long QT syndrome. Last evaluated: 2025-11-26. Review status: criteria provided, single submitter. Criteria: Invitae Variant Classification Sherloc (09022015). Collection method: clinical testing. Allele origin: germline.
Comment: This sequence change replaces valine, which is neutral and non-polar, with methionine, which is neutral and non-polar, at codon 1050 of the AKAP9 protein (p.Val1050Met). This variant is present in population databases (no rsID available, gnomAD 0.002%). This variant has not been reported in the literature in individuals affected with AKAP9-related conditions. ClinVar contains an entry for this variant (Variation ID: 1728146). An algorithm developed to predict the effect of missense changes on protein structure and function (PolyPhen-2) suggests that this variant is likely to be tolerated. In summary, the available evidence is currently insufficient to determine the role of this variant in disease. Therefore, it has been classified as a Variant of Uncertain Significance.

Ambry Genetics
Classification: Uncertain significance for Cardiovascular phenotype. Last evaluated: 2025-09-08. Review status: criteria provided, single submitter. Criteria: Ambry Variant Classification Scheme 2023. Collection method: clinical testing. Allele origin: germline.